The following is an entry in ClinVar:

NM_001136472.2(LITAF):c.473A>G (p.Tyr158Cys)

Gene: LITAF (lipopolysaccharide induced TNF factor; minus strand). Cytogenetic location: 16p13.13.
Variant type: single nucleotide variant.
Coding change: c.473A>G on transcript NM_001136472.2 (MANE Select); coding-DNA position 473, A replaced by G.
Protein change: p.Tyr158Cys; replaces tyrosine 158 with cysteine.
Molecular consequence: missense variant. On other transcripts: 3 prime UTR variant (1), non-coding transcript variant (1).
Genome position (GRCh38, 1-based): chr16:11,549,650, T>C on the plus strand (A>G on the coding strand, the complement: LITAF is on the minus strand). VCF-style: chr16-11549650-T-C. GRCh37 (hg19) VCF-style: chr16-11643506-T-C.
Other names: c.*112A>G (NM_001136473.1); c.473A>G, p.Tyr158Cys (NM_004862.4); short protein forms Y158C.
Identifiers: ClinVar variation 1038405 (VCV001038405.8), dbSNP rs772527709, ClinGen allele CA7904010.

ClinVar aggregate classification (germline): Uncertain significance (1 of 4 stars; one submission).

Conditions:
Charcot-Marie-Tooth disease type 1C. Also called: CHARCOT-MARIE-TOOTH DISEASE, DEMYELINATING, TYPE 1C; CHARCOT-MARIE-TOOTH NEUROPATHY, TYPE 1C; NEUROPATHY, HEREDITARY MOTOR AND SENSORY, TYPE IC; Charcot-Marie-Tooth disease, type IC; CMT, SLOW NERVE CONDUCTION TYPE C; HMSN IC. Identifiers: Orphanet 101083, MedGen C0270913, MONDO:0010995, OMIM 601098.

Allele frequency attached by ClinVar (database versions not stated): gnomAD exomes below 0.00001; ExAC 0.00001.
gnomAD v4.1: 5 of 1,613,000 alleles (0.00031%); highest among the groups gnomAD compares: Middle Eastern, 0.017%; no homozygotes.

Submission:

Labcorp Genetics (formerly Invitae), Labcorp
Classification: Uncertain significance for Charcot-Marie-Tooth disease type 1C. Last evaluated: 2020-09-15. Review status: criteria provided, single submitter. Criteria: Invitae Variant Classification Sherloc (09022015). Collection method: clinical testing. Allele origin: germline.
Comment: In summary, the available evidence is currently insufficient to determine the role of this variant in disease. Therefore, it has been classified as a Variant of Uncertain Significance. Algorithms developed to predict the effect of missense changes on protein structure and function are either unavailable or do not agree on the potential impact of this missense change (SIFT: "Tolerated"; PolyPhen-2: "Probably Damaging"; Align-GVGD: "Class C0"). This variant has not been reported in the literature in individuals with LITAF-related conditions. The frequency data for this variant in the population databases is considered unreliable, as metrics indicate poor data quality at this position in the ExAC database. This sequence change replaces tyrosine with cysteine at codon 158 of the LITAF protein (p.Tyr158Cys). The tyrosine residue is weakly conserved and there is a large physicochemical difference between tyrosine and cysteine.